The following is an entry in ClinVar:

NM_001378120.1(MBD5):c.826C>G (p.Pro276Ala)

Gene: MBD5 (methyl-CpG binding domain protein 5; plus strand). Cytogenetic location: 2q23.1.
Variant type: single nucleotide variant.
Coding change: c.826C>G on transcript NM_001378120.1 (MANE Select); coding-DNA position 826, C replaced by G.
Protein change: p.Pro276Ala; replaces proline 276 with alanine.
Molecular consequence: missense variant.
Genome position (GRCh38, 1-based): chr2:148,468,769, C>G. VCF-style: chr2-148468769-C-G. GRCh37 (hg19) VCF-style: chr2-149226338-C-G.
Other names: c.826C>G, p.Pro276Ala (NM_018328.5); short protein forms P276A.
Identifiers: ClinVar variation 2851186 (VCV002851186.3), dbSNP rs376756158, ClinGen allele CA348717802.
Genomic context (GRCh38, chr2:148,468,769, plus strand): 5'-GGTTTTCATGGAGCTCCCAATTCTAGTCCTATTCACCTGAATAGGACTCCTCTTTCTCCA[C>G]CTTCAGTAATGCTACATGGTTCTCCTGTACAGTCATCCTGTGCAATGGCTGGAAGGACTA-3'
Protein context (NP_001365049.1, residues 266-286): IHLNRTPLSP[Pro276Ala]SVMLHGSPVQ

ClinVar aggregate classification (germline): Uncertain significance (1 of 4 stars; one submission).

Conditions:
Intellectual developmental disorder, autosomal dominant 1. Also called: MBD5 Haploinsufficiency; Intellectual disability, autosomal dominant 1. Identifiers: Orphanet 228402, MedGen C1969562, MONDO:0007974, OMIM 156200.

Submission:

Labcorp Genetics (formerly Invitae), Labcorp
Classification: Uncertain significance for Intellectual developmental disorder, autosomal dominant 1. Last evaluated: 2023-04-09. Review status: criteria provided, single submitter. Criteria: Invitae Variant Classification Sherloc (09022015). Collection method: clinical testing. Allele origin: germline.
Comment: In summary, the available evidence is currently insufficient to determine the role of this variant in disease. Therefore, it has been classified as a Variant of Uncertain Significance. Advanced modeling of protein sequence and biophysical properties (such as structural, functional, and spatial information, amino acid conservation, physicochemical variation, residue mobility, and thermodynamic stability) performed at Invitae indicates that this missense variant is not expected to disrupt MBD5 protein function. This variant has not been reported in the literature in individuals affected with MBD5-related conditions. This variant is not present in population databases (gnomAD no frequency). This sequence change replaces proline, which is neutral and non-polar, with alanine, which is neutral and non-polar, at codon 276 of the MBD5 protein (p.Pro276Ala).